The following is an entry in ClinVar:

NM_003235.5(TG):c.7502G>A (p.Trp2501Ter)

Genes: SLA (Src like adaptor; minus strand), TG (thyroglobulin; plus strand). Cytogenetic location: 8q24.22.
Variant type: single nucleotide variant.
Coding change: c.7502G>A on transcript NM_003235.5 (MANE Select); coding-DNA position 7502, G replaced by A.
Protein change: p.Trp2501Ter; replaces tryptophan 2501 with a stop codon.
Molecular consequence: nonsense. On other transcripts: intron variant (4).
Genome position (GRCh38, 1-based): chr8:133,096,303, G>A. VCF-style: chr8-133096303-G-A. GRCh37 (hg19) VCF-style: chr8-134108547-G-A.
Other names: c.-264+6250C>T (NM_001282965.2); c.11+6250C>T (NM_001282964.2, NM_001045557.3); c.-319+6250C>T (NM_001045556.3); short protein forms W2501*.
Identifiers: ClinVar variation 3896375 (VCV003896375.2), dbSNP rs116726914.
Genomic context (GRCh38, chr8:133,096,303, plus strand): 5'-CTGTGATCGATGGCCACTTCCTCCGTGAGCCTCCAGCCAGAGCACTGAAGAGGTCTTTAT[G>A]GGTAGAGGTCGATCTGCTCATTGGGAGTTCTCAGGACGACGGGCTCATCAACAGAGCAAA-3'

ClinVar aggregate classification (germline): Pathogenic (1 of 4 stars; one submission).

Conditions:
TG-related disorder. Also called: TG-related condition; TG-related disorders.

gnomAD v4.1: 115 of 1,614,140 alleles (0.0071%); highest among the groups gnomAD compares: African/African-American, 0.12%; no homozygotes.

Submission:

Women's Health and Genetics/Laboratory Corporation of America, LabCorp
Classification: Pathogenic for TG-Related Disorders. Last evaluated: 2025-04-09. Review status: criteria provided, single submitter. Criteria: LabCorp Variant Classification Summary - May 2015. Collection method: clinical testing. Allele origin: germline.
Comment: Variant summary: TG c.7502G>A (p.Trp2501X) results in a premature termination codon, predicted to cause a truncation of the encoded protein or absence of the protein due to nonsense mediated decay, which are commonly known mechanisms for disease. The variant allele was found at a frequency of 9.5e-05 in 251438 control chromosomes. This frequency is not significantly higher than estimated for a pathogenic variant in TG causing TG-Related Disorders, allowing no conclusion about variant significance. To our knowledge, no occurrence of c.7502G>A in individuals affected with TG-Related Disorders and no experimental evidence demonstrating its impact on protein function have been reported. No submitters have cited clinical-significance assessments for this variant to ClinVar. Based on the evidence outlined above, the variant was classified as pathogenic.